The following is an entry in ClinVar:

NM_000878.5(IL2RB):c.663C>T (p.Ser221=)

Gene: IL2RB (interleukin 2 receptor subunit beta; minus strand). Cytogenetic location: 22q12.3.
Variant type: single nucleotide variant.
Coding change: c.663C>T on transcript NM_000878.5 (MANE Select); coding-DNA position 663, C replaced by T.
Protein change: p.Ser221=; no amino-acid change (serine 221 retained).
Molecular consequence: synonymous variant.
Genome position (GRCh38, 1-based): chr22:37,136,268, G>A on the plus strand (C>T on the coding strand, the complement: IL2RB is on the minus strand). VCF-style: chr22-37136268-G-A. GRCh37 (hg19) VCF-style: chr22-37532308-G-A.
Other names: c.663C>T, p.Ser221= (NM_001346222.1, NM_001346223.2).
Identifiers: ClinVar variation 1561833 (VCV001561833.31), dbSNP rs781721809, ClinGen allele CA10216558.

ClinVar aggregate classification (germline): Likely benign. Review status: criteria provided, multiple submitters, no conflicts (2 of 4 stars). 2 submissions from 2 submitters: Likely benign (2). Last evaluated 2024-07-23.

Allele frequency attached by ClinVar (database versions not stated): TOPMed below 0.00001; ExAC 0.00001; gnomAD 0.00001; gnomAD exomes 0.00002.
gnomAD v4.1: 96 of 1,612,374 alleles (0.006%); highest among the groups gnomAD compares: Non-Finnish European, 0.008%; no homozygotes.

Submissions (2):

Labcorp Genetics (formerly Invitae), Labcorp
Classification: Likely benign. Last evaluated: 2024-07-23. Review status: criteria provided, single submitter. Criteria: Invitae Variant Classification Sherloc (09022015). Collection method: clinical testing. Allele origin: germline.

CeGaT Center for Human Genetics Tuebingen
Classification: Likely benign. Last evaluated: 2022-04-01. Review status: criteria provided, single submitter. Criteria: CeGaT Center For Human Genetics Tuebingen Variant Classification Criteria Version 2. Collection method: clinical testing. Allele origin: germline. Affected: yes. Observed: 1 variant allele.
Comment: IL2RB: BP4, BP7